The following is an entry in ClinVar:

NM_001160372.4(TRAPPC9):c.1195G>A (p.Gly399Ser)

Gene: TRAPPC9 (trafficking protein particle complex subunit 9; minus strand). Cytogenetic location: 8q24.3.
Variant type: single nucleotide variant.
Coding change: c.1195G>A on transcript NM_001160372.4 (MANE Select); coding-DNA position 1195, G replaced by A.
Protein change: p.Gly399Ser; replaces glycine 399 with serine.
Molecular consequence: missense variant. On other transcripts: non-coding transcript variant (1).
Genome position (GRCh38, 1-based): chr8:140,371,120, C>T on the plus strand (G>A on the coding strand, the complement: TRAPPC9 is on the minus strand). VCF-style: chr8-140371120-C-T. GRCh37 (hg19) VCF-style: chr8-141381219-C-T.
Other names: c.1168G>A, p.Gly390Ser (NM_001321646.2); c.1216G>A, p.Gly406Ser (NM_001374682.1); c.1195G>A, p.Gly399Ser (NM_001374683.1, NM_001374684.1, NM_031466.8); short protein forms G390S, G399S, G406S.
Identifiers: ClinVar variation 1328634 (VCV001328634.2), dbSNP rs745923011, ClinGen allele CA4893518.

ClinVar aggregate classification (germline): Uncertain significance (1 of 4 stars; one submission).

Allele frequency attached by ClinVar (database versions not stated): gnomAD exomes 0.00001; TOPMed below 0.00001; ExAC 0.00002.

Submission:

GeneDx
Classification: Uncertain significance. Last evaluated: 2021-06-14. Review status: criteria provided, single submitter. Criteria: GeneDx Variant Classification Process June 2021. Collection method: clinical testing. Allele origin: germline. Affected: yes.
Comment: Not observed at significant frequency in large population cohorts (Lek et al., 2016); In silico analysis supports that this missense variant has a deleterious effect on protein structure/function; Has not been previously published as pathogenic or benign to our knowledge